The following is an entry in ClinVar:

NM_001111.5(ADAR):c.1135_1136delinsTT (p.Ala379Leu)

Gene: ADAR (adenosine deaminase RNA specific; minus strand). Cytogenetic location: 1q21.3.
Variant type: Indel.
Coding change: c.1135_1136delinsTT on transcript NM_001111.5 (MANE Select); coding-DNA positions 1135 to 1136, GC replaced by TT.
Protein change: p.Ala379Leu; replaces alanine 379 with leucine.
Molecular consequence: missense variant.
Genome position (GRCh38, 1-based): chr1:154,601,506-154,601,507, GC replaced by AA on the plus strand (GC replaced by TT on the coding strand, the reverse complement: ADAR is on the minus strand). VCF-style: chr1-154601506-GC-AA. GRCh37 (hg19) VCF-style: chr1-154573982-GC-AA.
Other names: c.250_251delinsTT, p.Ala84Leu (NM_001025107.3, NM_001193495.2, NM_001365046.1 and 3 more transcripts); c.1162_1163delinsTT, p.Ala388Leu (NM_001365045.1); c.1135_1136delinsTT, p.Ala379Leu (NM_015840.4, NM_015841.4); short protein forms A388L, A84L, A379L.
Identifiers: ClinVar variation 4786586 (VCV004786586.1).

ClinVar aggregate classification (germline): Uncertain significance (1 of 4 stars; one submission).

Conditions:
Symmetrical dyschromatosis of extremities (DSH). Also called: DYSCHROMATOSIS SYMMETRICA HEREDITARIA 1; RETICULATE ACROPIGMENTATION OF DOHI; SYMMETRIC DYSCHROMATOSIS OF THE EXTREMITIES; Dyschromatosis symmetrica hereditaria. Identifiers: Orphanet 41, MedGen C0406775, MONDO:0007483, OMIM 127400.
Aicardi-Goutieres syndrome 6 (AGS6). Identifiers: Orphanet 51, MedGen C3539013, MONDO:0014007, OMIM 615010.

Submission:

Labcorp Genetics (formerly Invitae), Labcorp
Classification: Uncertain significance for Aicardi-Goutieres syndrome 6; Symmetrical dyschromatosis of extremities. Last evaluated: 2025-11-08. Review status: criteria provided, single submitter. Criteria: Invitae Variant Classification Sherloc (09022015). Collection method: clinical testing. Allele origin: germline.
Comment: This sequence change replaces alanine, which is neutral and non-polar, with leucine, which is neutral and non-polar, at codon 379 of the ADAR protein (p.Ala379Leu). Information on the frequency of this variant in the gnomAD database is not available, as this variant may be reported differently in the database. This variant has not been reported in the literature in individuals affected with ADAR-related conditions. An algorithm developed to predict the effect of missense changes on protein structure and function (PolyPhen-2) suggests that this variant is likely to be tolerated. In summary, the available evidence is currently insufficient to determine the role of this variant in disease. Therefore, it has been classified as a Variant of Uncertain Significance.